The following is an entry in ClinVar:

ClinVar aggregate classification (germline): Uncertain significance. Review status: criteria provided, multiple submitters, no conflicts (2 of 4 stars). 3 submissions from 3 submitters: Uncertain significance (3). Last evaluated 2025-12-19.

Conditions:
Hereditary cancer-predisposing syndrome. Also called: Neoplastic Syndromes, Hereditary; Tumor predisposition; Hereditary Cancer Syndrome; Hereditary neoplastic syndrome. Identifiers: Orphanet 140162, MedGen C0027672, MeSH D009386, MONDO:0015356.
Nijmegen breakage syndrome-like disorder (NBSLD). Also called: MICROCEPHALY AND SPONTANEOUS CHROMOSOME INSTABILITY WITHOUT IMMUNODEFICIENCY; NBS-LIKE DISORDER; RAD50 DEFICIENCY. Identifiers: Orphanet 240760, MedGen C2751318, MONDO:0013118, OMIM 613078.

Allele frequency attached by ClinVar (database versions not stated): gnomAD exomes below 0.00001; ExAC 0.00001; gnomAD 0.00001; TOPMed 0.00001.
gnomAD v4.1: 6 of 1,606,872 alleles (0.00037%); highest among the groups gnomAD compares: Non-Finnish European, 0.00043%; no homozygotes.

Submissions (3):

Labcorp Genetics (formerly Invitae), Labcorp
Classification: Uncertain significance for Hereditary cancer-predisposing syndrome. Last evaluated: 2025-12-19. Review status: criteria provided, single submitter. Criteria: Invitae Variant Classification Sherloc (09022015). Collection method: clinical testing. Allele origin: germline.
Comment: This sequence change falls in intron 2 of the RAD50 gene. It does not directly change the encoded amino acid sequence of the RAD50 protein. RNA analysis indicates that this variant induces altered splicing and likely results in a shortened protein product. This variant is present in population databases (rs752806052, gnomAD 0.007%). This variant has not been reported in the literature in individuals affected with RAD50-related conditions. ClinVar contains an entry for this variant (Variation ID: 233738). Variants that disrupt the consensus splice site are a relatively common cause of aberrant splicing (PMID: 17576681, 9536098). Studies have shown that this variant results in skipping of exon 2, but is expected to preserve the integrity of the reading-frame (internal data). In summary, the available evidence is currently insufficient to determine the role of this variant in disease. Therefore, it has been classified as a Variant of Uncertain Significance.

Ambry Genetics
Classification: Uncertain significance for Hereditary cancer-predisposing syndrome. Last evaluated: 2024-04-18. Review status: criteria provided, single submitter. Criteria: Ambry Variant Classification Scheme 2023. Collection method: clinical testing. Allele origin: germline.
Comment: The c.213+3A>C intronic variant results from an A to C substitution 3 nucleotides after coding exon 2 in the RAD50 gene. This nucleotide position is well conserved in available vertebrate species. In silico splice site analysis predicts that this alteration will weaken the native splice donor site. RNA studies have demonstrated that this alteration results in a transcript predicted to lead to a protein with an in-frame deletion of 28 amino acid(s); however, the exact functional impact of the deleted amino acid(s) is unknown at this time (Ambry internal data). Based on the available evidence, the clinical significance of this variant remains unclear.

Baylor Genetics
Classification: Uncertain significance for Nijmegen breakage syndrome-like disorder. Last evaluated: 2023-12-28. Review status: criteria provided, single submitter. Criteria: ACMG Guidelines, 2015. Collection method: clinical testing. Allele origin: unknown.

Literature cited by the submitters: PubMed 17576681 (cited by Labcorp Genetics (formerly Invitae), Labcorp); PubMed 9536098 (cited by Labcorp Genetics (formerly Invitae), Labcorp).

NM_005732.4(RAD50):c.213+3A>C

Gene: RAD50 (RAD50 double strand break repair protein; plus strand). Cytogenetic location: 5q31.1.
Variant type: single nucleotide variant.
Coding change: c.213+3A>C on transcript NM_005732.4 (MANE Select); 3 bases into the intron after coding-DNA position 213, A replaced by C.
Molecular consequence: intron variant.
Genome position (GRCh38, 1-based): chr5:132,559,370, A>C. VCF-style: chr5-132559370-A-C. GRCh37 (hg19) VCF-style: chr5-131895062-A-C.
Identifiers: ClinVar variation 233738 (VCV000233738.16), dbSNP rs752806052, ClinGen allele CA3404923.
Genomic context (GRCh38, chr5:132,559,370, plus strand): 5'-TTGTACTGGAGATTTCCCTCCTGGAACCAAAGGAAATACATTTGTACACGATCCCAAGGT[A>C]ATGGTGCTAGTACAATTTTGTATTTTTATAATTATAAAAATGATAATAGCTTATTATAGA-3'